The following is an entry in ClinVar:

ClinVar aggregate classification (germline): Likely benign. Review status: criteria provided, multiple submitters, no conflicts (2 of 4 stars). 5 submissions from 5 submitters: Likely benign (4). 1 of the submissions does not count toward it. Last evaluated 2026-01-22.

Conditions:
IL6ST-related disorder. Also called: IL6ST-related condition.

Allele frequency attached by ClinVar (database versions not stated): ESP Exome Variant Server 0.00038; gnomAD exomes 0.00044 and 0.00057; ExAC 0.00053; gnomAD 0.00103; 1000 Genomes Project 0.00140; 1000 Genomes Project 30x 0.00141; TOPMed 0.00201.
gnomAD v4.1: 876 of 1,610,928 alleles (0.054%); highest among the groups gnomAD compares: Middle Eastern, 1.2%; 2 homozygotes.

Submissions (5):

Labcorp Genetics (formerly Invitae), Labcorp
Classification: Likely benign. Last evaluated: 2026-01-22. Review status: criteria provided, single submitter. Criteria: Invitae Variant Classification Sherloc (09022015). Collection method: clinical testing. Allele origin: germline.

CeGaT Center for Human Genetics Tuebingen
Classification: Likely benign. Last evaluated: 2025-04-01. Review status: criteria provided, single submitter. Criteria: CeGaT Center For Human Genetics Tuebingen Variant Classification Criteria Version 2. Collection method: clinical testing. Allele origin: germline. Affected: yes. Observed: 3 variant alleles.
Comment: IL6ST: BP4

Blueprint Genetics
Classification: Likely benign. Last evaluated: 2024-10-18. Review status: criteria provided, single submitter. Criteria: ACMG Guidelines, 2015. Collection method: clinical testing. Allele origin: germline.

Breakthrough Genomics
Classification: Likely benign. Review status: criteria provided, single submitter. Criteria: ACMG Guidelines, 2015. Collection method: not provided. Allele origin: germline. Inheritance: Autosomal recessive inheritance. Affected: yes.

PreventionGenetics, part of Exact Sciences
Classification: Likely benign for IL6ST-related condition. Last evaluated: 2020-01-10. Review status: no assertion criteria provided. Collection method: clinical testing. Allele origin: germline. Not counted in ClinVar's aggregate classification.
Comment: This variant is classified as likely benign based on ACMG/AMP sequence variant interpretation guidelines (Richards et al. 2015 PMID: 25741868, with internal and published modifications).

NM_002184.4(IL6ST):c.822T>C (p.Pro274=)

Gene: IL6ST (interleukin 6 cytokine family signal transducer; minus strand). Cytogenetic location: 5q11.2.
Variant type: single nucleotide variant.
Coding change: c.822T>C on transcript NM_002184.4 (MANE Select); coding-DNA position 822, T replaced by C.
Protein change: p.Pro274=; no amino-acid change (proline 274 retained).
Molecular consequence: synonymous variant. On other transcripts: 5 prime UTR variant (3), non-coding transcript variant (2).
Genome position (GRCh38, 1-based): chr5:55,960,553, A>G on the plus strand (T>C on the coding strand, the complement: IL6ST is on the minus strand). VCF-style: chr5-55960553-A-G. GRCh37 (hg19) VCF-style: chr5-55256381-A-G.
Other names: c.822T>C, p.Pro274= (NM_001190981.2, NM_001364275.2, NM_175767.3); c.612T>C, p.Pro204= (NM_001364276.2); c.-92T>C (NM_001364277.2, NM_001364279.2); c.-82T>C (NM_001364278.2).
Identifiers: ClinVar variation 720300 (VCV000720300.40), dbSNP rs147042260, ClinGen allele CA3271594.